The following is an entry in ClinVar:

NM_000059.4(BRCA2):c.7725T>G (p.Thr2575=)

Gene: BRCA2 (BRCA2 DNA repair associated; plus strand). Cytogenetic location: 13q13.1.
Variant type: single nucleotide variant.
Coding change: c.7725T>G on transcript NM_000059.4 (MANE Select); coding-DNA position 7725, T replaced by G.
Protein change: p.Thr2575=; no amino-acid change (threonine 2575 retained).
Molecular consequence: synonymous variant. On other transcripts: non-coding transcript variant (1).
Genome position (GRCh38, 1-based): chr13:32,357,849, T>G. VCF-style: chr13-32357849-T-G. GRCh37 (hg19) VCF-style: chr13-32931986-T-G.
Other names: c.7629T>G, p.Thr2543= (NM_001406719.1); c.7725T>G, p.Thr2575= (NM_001406720.1); c.2793T>G, p.Thr931= (NM_001406721.1); c.1308T>G, p.Thr436= (NM_001406722.1).
Identifiers: ClinVar variation 1760328 (VCV001760328.2), dbSNP rs2137567106, ClinGen allele CA483439210.

ClinVar aggregate classification (germline): Uncertain significance (1 of 4 stars; one submission).

Conditions:
Hereditary cancer-predisposing syndrome. Also called: Neoplastic Syndromes, Hereditary; Tumor predisposition; Hereditary Cancer Syndrome; Hereditary neoplastic syndrome. Identifiers: Orphanet 140162, MedGen C0027672, MeSH D009386, MONDO:0015356.

Submission:

Ambry Genetics
Classification: Uncertain significance for Hereditary cancer-predisposing syndrome. Last evaluated: 2021-12-07. Review status: criteria provided, single submitter. Criteria: Ambry Variant Classification Scheme 2023. Collection method: clinical testing. Allele origin: germline.
Comment: The c.7725T>G variant (also known as p.T2575T), located in coding exon 15 of the BRCA2 gene, results from a T to G substitution at nucleotide position 7725. This nucleotide substitution does not change the at codon 2575. This nucleotide position is well conserved in available vertebrate species. In silico splice site analysis for this alteration is inconclusive; however, direct evidence is insufficient at this time (Ambry internal data). Since supporting evidence is limited at this time, the clinical significance of this alteration remains unclear.